The following is an entry in ClinVar:

ClinVar aggregate classification (germline): Uncertain significance (1 of 4 stars; one submission).

Allele frequency attached by ClinVar (database versions not stated): gnomAD 0.00005; gnomAD exomes 0.00010.
gnomAD v4.1: 101 of 1,613,948 alleles (0.0063%); highest among the groups gnomAD compares: South Asian, 0.0088%; no homozygotes.

Submission:

Labcorp Genetics (formerly Invitae), Labcorp
Classification: Uncertain significance. Last evaluated: 2025-10-02. Review status: criteria provided, single submitter. Criteria: Invitae Variant Classification Sherloc (09022015). Collection method: clinical testing. Allele origin: germline.
Comment: This sequence change replaces arginine, which is basic and polar, with tryptophan, which is neutral and slightly polar, at codon 269 of the EPHA4 protein (p.Arg269Trp). This variant is present in population databases (rs762835852, gnomAD 0.02%). This variant has not been reported in the literature in individuals affected with EPHA4-related conditions. ClinVar contains an entry for this variant (Variation ID: 1409772). An algorithm developed to predict the effect of missense changes on protein structure and function (PolyPhen-2) suggests that this variant is likely to be tolerated. In summary, the available evidence is currently insufficient to determine the role of this variant in disease. Therefore, it has been classified as a Variant of Uncertain Significance.

NM_004438.5(EPHA4):c.805C>T (p.Arg269Trp)

Gene: EPHA4 (EPH receptor A4; minus strand). Cytogenetic location: 2q36.1.
Variant type: single nucleotide variant.
Coding change: c.805C>T on transcript NM_004438.5 (MANE Select); coding-DNA position 805, C replaced by T.
Protein change: p.Arg269Trp; replaces arginine 269 with tryptophan.
Molecular consequence: missense variant.
Genome position (GRCh38, 1-based): chr2:221,563,749, G>A on the plus strand (C>T on the coding strand, the complement: EPHA4 is on the minus strand). VCF-style: chr2-221563749-G-A. GRCh37 (hg19) VCF-style: chr2-222428469-G-A.
Other names: c.805C>T, p.Arg269Trp (NM_001304536.2, NM_001363748.2); c.652C>T, p.Arg218Trp (NM_001304537.2); short protein forms R218W, R269W.
Identifiers: ClinVar variation 1409772 (VCV001409772.6), dbSNP rs762835852, ClinGen allele CA2135202.
Genomic context (GRCh38, chr2:221,563,749, plus strand): 5'-CACTAAGCCCCAGTGAAAAAACTGCAATATGGACCCTCTTACCTTGGCATTCTCCGCTCC[G>A]CTCCTCATGCCCAGCGTTGCATAGGCAGTTGCCAATGGGTACCAGCCATTCACCATCTGC-3'
Protein context (NP_004429.1, residues 259-279): NCLCNAGHEE[Arg269Trp]SGECQACKIG